The following is an entry in ClinVar:

NM_006282.5(STK4):c.1200A>G (p.Glu400=)

Gene: STK4 (serine/threonine kinase 4; plus strand). Cytogenetic location: 20q13.12.
Variant type: single nucleotide variant.
Coding change: c.1200A>G on transcript NM_006282.5 (MANE Select); coding-DNA position 1200, A replaced by G.
Protein change: p.Glu400=; no amino-acid change (glutamic acid 400 retained).
Molecular consequence: synonymous variant.
Genome position (GRCh38, 1-based): chr20:45,025,025, A>G. VCF-style: chr20-45025025-A-G. GRCh37 (hg19) VCF-style: chr20-43653666-A-G.
Other names: c.1200A>G, p.Glu400= (NM_001352385.2).
Identifiers: ClinVar variation 2961122 (VCV002961122.13), dbSNP rs775761766, ClinGen allele CA9874012.

ClinVar aggregate classification (germline): Likely benign. Review status: criteria provided, multiple submitters, no conflicts (2 of 4 stars). 2 submissions from 2 submitters: Likely benign (2). Last evaluated 2026-01-02.

Conditions:
Combined immunodeficiency due to STK4 deficiency (IMD110). Also called: MST1 DEFICIENCY; STK4 DEFICIENCY; T-cell immunodeficiency, recurrent infections, and autoimmunity with or without cardiac malformations. Identifiers: Orphanet 314689, MedGen C3553943, MONDO:0013934, OMIM 614868.

Allele frequency attached by ClinVar (database versions not stated): ExAC 0.00001; gnomAD exomes 0.00001.
gnomAD v4.1: 3 of 1,613,620 alleles (0.00019%); highest among the groups gnomAD compares: Non-Finnish European, 0.00025%; no homozygotes.

Submissions (2):

Labcorp Genetics (formerly Invitae), Labcorp
Classification: Likely benign for Combined immunodeficiency due to STK4 deficiency. Last evaluated: 2026-01-02. Review status: criteria provided, single submitter. Criteria: Invitae Variant Classification Sherloc (09022015). Collection method: clinical testing. Allele origin: germline.

CeGaT Center for Human Genetics Tuebingen
Classification: Likely benign. Last evaluated: 2025-05-01. Review status: criteria provided, single submitter. Criteria: CeGaT Center For Human Genetics Tuebingen Variant Classification Criteria Version 2. Collection method: clinical testing. Allele origin: germline. Affected: yes. Observed: 1 variant allele.
Comment: STK4: BP4, BP7